The following is an entry in ClinVar:

ClinVar aggregate classification (germline): Pathogenic (1 of 4 stars; one submission).

Conditions:
Congenital glaucoma. Identifiers: MedGen C0020302, MONDO:0020366.

Submission:

Labcorp Genetics (formerly Invitae), Labcorp
Classification: Pathogenic for Congenital glaucoma. Last evaluated: 2025-12-24. Review status: criteria provided, single submitter. Criteria: Invitae Variant Classification Sherloc (09022015). Collection method: clinical testing. Allele origin: germline.
Comment: This sequence change replaces cysteine, which is neutral and slightly polar, with arginine, which is basic and polar, at codon 209 of the CYP1B1 protein (p.Cys209Arg). This variant is not present in population databases (gnomAD no frequency). This missense change has been observed in individual(s) with congenital glaucoma (PMID: 17471339; internal data). In at least one individual the data is consistent with being in trans (on the opposite chromosome) from a pathogenic variant. It has also been observed to segregate with disease in related individuals. Invitae Evidence Modeling of protein sequence and biophysical properties (such as structural, functional, and spatial information, amino acid conservation, physicochemical variation, residue mobility, and thermodynamic stability) has been performed for this missense variant. However, the output from this modeling did not meet the statistical confidence thresholds required to predict the impact of this variant on CYP1B1 protein function. For these reasons, this variant has been classified as Pathogenic.

Literature cited by the submitters: PubMed 17471339.

NM_000104.4(CYP1B1):c.625T>C (p.Cys209Arg)

Gene: CYP1B1 (cytochrome P450 family 1 subfamily B member 1; minus strand). Cytogenetic location: 2p22.2.
Variant type: single nucleotide variant.
Coding change: c.625T>C on transcript NM_000104.4 (MANE Select); coding-DNA position 625, T replaced by C.
Protein change: p.Cys209Arg; replaces cysteine 209 with arginine.
Molecular consequence: missense variant.
Genome position (GRCh38, 1-based): chr2:38,074,764, A>G on the plus strand (T>C on the coding strand, the complement: CYP1B1 is on the minus strand). VCF-style: chr2-38074764-A-G. GRCh37 (hg19) VCF-style: chr2-38301907-A-G.
Other names: short protein forms C209R.
Identifiers: ClinVar variation 4746965 (VCV004746965.1).